The following is an entry in ClinVar:

NM_005732.4(RAD50):c.1642A>G (p.Lys548Glu)

Gene: RAD50 (RAD50 double strand break repair protein; plus strand). Cytogenetic location: 5q31.1.
Variant type: single nucleotide variant.
Coding change: c.1642A>G on transcript NM_005732.4 (MANE Select); coding-DNA position 1642, A replaced by G.
Protein change: p.Lys548Glu; replaces lysine 548 with glutamic acid.
Molecular consequence: missense variant.
Genome position (GRCh38, 1-based): chr5:132,591,883, A>G. VCF-style: chr5-132591883-A-G. GRCh37 (hg19) VCF-style: chr5-131927575-A-G.
Other names: short protein forms K548E.
Identifiers: ClinVar variation 3429484 (VCV003429484.1).
Genomic context (GRCh38, chr5:132,591,883, plus strand): 5'-ATATAATGTGGAGATATAGACTTTATTTTTAAAAGATTTTTTTTTTACCTATAGGCTGAC[A>G]AAGATGAACAAATCAGAAAAATAAAATCTAGGCACAGTGATGAATTAACCTCACTGTTGG-3'
Protein context (NP_005723.2, residues 538-558): MEMLTKDKAD[Lys548Glu]DEQIRKIKSR

ClinVar aggregate classification (germline): Uncertain significance (1 of 4 stars; one submission).

Conditions:
Hereditary cancer-predisposing syndrome. Also called: Neoplastic Syndromes, Hereditary; Tumor predisposition; Hereditary Cancer Syndrome; Hereditary neoplastic syndrome. Identifiers: Orphanet 140162, MedGen C0027672, MeSH D009386, MONDO:0015356.

Submission:

Ambry Genetics
Classification: Uncertain significance for Hereditary cancer-predisposing syndrome. Last evaluated: 2024-07-27. Review status: criteria provided, single submitter. Criteria: Ambry Variant Classification Scheme 2023. Collection method: clinical testing. Allele origin: germline.
Comment: The p.K548E variant (also known as c.1642A>G), located in coding exon 11 of the RAD50 gene, results from an A to G substitution at nucleotide position 1642. The lysine at codon 548 is replaced by glutamic acid, an amino acid with similar properties. This amino acid position is conserved. In addition, the in silico prediction for this alteration is inconclusive. Based on the available evidence, the clinical significance of this variant remains unclear.